The following is an entry in ClinVar:

NM_000455.5(STK11):c.914A>C (p.Gln305Pro)

Gene: STK11 (serine/threonine kinase 11; plus strand). Cytogenetic location: 19p13.3.
Variant type: single nucleotide variant.
Coding change: c.914A>C on transcript NM_000455.5 (MANE Select); coding-DNA position 914, A replaced by C.
Protein change: p.Gln305Pro; replaces glutamine 305 with proline.
Molecular consequence: missense variant.
Genome position (GRCh38, 1-based): chr19:1,222,000, A>C. VCF-style: chr19-1222000-A-C. GRCh37 (hg19) VCF-style: chr19-1221999-A-C.
Other names: c.914A>C, p.Gln305Pro (NM_001407255.1); short protein forms Q305P.
Identifiers: ClinVar variation 1765952 (VCV001765952.3), dbSNP rs2080788003, ClinGen allele CA402951316.
Genomic context (GRCh38, chr19:1,222,000, plus strand): 5'-TCTCCTCAGGGATGCTTGAGTACGAACCGGCCAAGAGGTTCTCCATCCGGCAGATCCGGC[A>C]GCACAGGTGAGCGGCCCCTGGGGGCAGTGGGGCCGAGGCTGCAGGGAGGCCGGCCATGTG-3'
Protein context (NP_000446.1, residues 295-315): AKRFSIRQIR[Gln305Pro]HSWFRKKHPP

ClinVar aggregate classification (germline): Conflicting classifications of pathogenicity. Review status: criteria provided, conflicting classifications (1 of 4 stars). 2 submissions from 2 submitters: Likely pathogenic (1); Uncertain significance (1). Last evaluated 2025-09-23.

Conditions:
Peutz-Jeghers syndrome (PJS). Also called: POLYPOSIS, HAMARTOMATOUS INTESTINAL; POLYPS-AND-SPOTS SYNDROME; Peutz-Jeghers polyposis; Periorificial lentiginosis syndrome. Identifiers: Orphanet 2869, MedGen C0031269, MeSH D010580, MONDO:0008280, OMIM 175200.
Hereditary cancer-predisposing syndrome. Also called: Neoplastic Syndromes, Hereditary; Tumor predisposition; Hereditary neoplastic syndrome; Hereditary Cancer Syndrome. Identifiers: Orphanet 140162, MedGen C0027672, MeSH D009386, MONDO:0015356.

Submissions (2):

Labcorp Genetics (formerly Invitae), Labcorp
Classification: Uncertain significance for Peutz-Jeghers syndrome. Last evaluated: 2025-09-23. Review status: criteria provided, single submitter. Criteria: Invitae Variant Classification Sherloc (09022015). Collection method: clinical testing. Allele origin: germline.
Comment: This sequence change replaces glutamine, which is neutral and polar, with proline, which is neutral and non-polar, at codon 305 of the STK11 protein (p.Gln305Pro). This variant is not present in population databases (gnomAD no frequency). This variant has not been reported in the literature in individuals affected with STK11-related conditions. ClinVar contains an entry for this variant (Variation ID: 1765952). Invitae Evidence Modeling of protein sequence and biophysical properties (such as structural, functional, and spatial information, amino acid conservation, physicochemical variation, residue mobility, and thermodynamic stability) has been performed for this missense variant. However, the output from this modeling did not meet the statistical confidence thresholds required to predict the impact of this variant on STK11 protein function. In summary, the available evidence is currently insufficient to determine the role of this variant in disease. Therefore, it has been classified as a Variant of Uncertain Significance.

Ambry Genetics
Classification: Likely pathogenic for Hereditary cancer-predisposing syndrome. Last evaluated: 2017-10-24. Review status: criteria provided, single submitter. Criteria: Ambry Variant Classification Scheme 2023. Collection method: clinical testing. Allele origin: germline.
Comment: The p.Q305P variant (also known as c.914A>C), located in coding exon 7 of the STK11 gene, results from an A to C substitution at nucleotide position 914. The glutamine at codon 305 is replaced by proline, an amino acid with similar properties. Based on internal structural assessment, this alteration results in local destabilization of a sensitive helix in the C-lobe of the kinase domain of the protein (Zeqiraj E et al. Science, 2009 Dec;326:1707-11). This variant was not reported in population-based cohorts in the Genome Aggregation Database (gnomAD) (Lek M et al. Nature, 2016 08;536:285-91). This amino acid position is well conserved in available vertebrate species. In addition, the in silico prediction for this alteration is inconclusive. Based on the majority of available evidence to date, this variant is likely to be pathogenic.

Literature cited by the submitters: PubMed 19892943 (cited by Ambry Genetics).